The following is an entry in ClinVar:

ClinVar aggregate classification (germline): Uncertain significance (1 of 4 stars; one submission).

Submission:

Labcorp Genetics (formerly Invitae), Labcorp
Classification: Uncertain significance. Last evaluated: 2024-11-14. Review status: criteria provided, single submitter. Criteria: Invitae Variant Classification Sherloc (09022015). Collection method: clinical testing. Allele origin: germline.
Comment: This sequence change replaces tyrosine, which is neutral and polar, with cysteine, which is neutral and slightly polar, at codon 98 of the BRD4 protein (p.Tyr98Cys). This variant is not present in population databases (gnomAD no frequency). This variant has not been reported in the literature in individuals affected with BRD4-related conditions. Invitae Evidence Modeling of protein sequence and biophysical properties (such as structural, functional, and spatial information, amino acid conservation, physicochemical variation, residue mobility, and thermodynamic stability) indicates that this missense variant is not expected to disrupt BRD4 protein function with a negative predictive value of 80%. In summary, the available evidence is currently insufficient to determine the role of this variant in disease. Therefore, it has been classified as a Variant of Uncertain Significance.

NM_001379291.1(BRD4):c.293A>G (p.Tyr98Cys)

Gene: BRD4 (bromodomain containing 4; minus strand). Cytogenetic location: 19p13.12.
Variant type: single nucleotide variant.
Coding change: c.293A>G on transcript NM_001379291.1 (MANE Select); coding-DNA position 293, A replaced by G.
Protein change: p.Tyr98Cys; replaces tyrosine 98 with cysteine.
Molecular consequence: missense variant.
Genome position (GRCh38, 1-based): chr19:15,269,035, T>C on the plus strand (A>G on the coding strand, the complement: BRD4 is on the minus strand). VCF-style: chr19-15269035-T-C. GRCh37 (hg19) VCF-style: chr19-15379846-T-C.
Other names: c.293A>G, p.Tyr98Cys (NM_001330384.2, NM_001379292.1, NM_014299.3 and 1 more transcripts); short protein forms Y98C.
Identifiers: ClinVar variation 3667395 (VCV003667395.2).
Genomic context (GRCh38, chr19:15,269,035, plus strand): 5'-TAGTTGTTTTCCAAGCGCTTCTTTATTGTTCCCATATCCATAGGCGTTTTAATGATCTTA[T>C]AGTAATCCTGGAGAGCAGAGAGCAAAAGTCCAGTGTCACCTAGGCAGCCAGGCAGCACAA-3'
Protein context (NP_001366220.1, residues 88-108): DAVKLNLPDY[Tyr98Cys]KIIKTPMDMG